The following continues an entry in ClinVar:

NM_004333.6(BRAF):c.1787G>T (p.Gly596Val)

Gene: BRAF. ClinVar aggregate classification (germline): Pathogenic. Pathogenic (1).

Submissions 9 to 13 of 13:

GeneDx
Classification: Pathogenic. Last evaluated: 2013-05-22. Review status: criteria provided, single submitter. Criteria: GeneDx Variant Classification (06012015). Collection method: clinical testing. Allele origin: germline. Affected: yes. Not counted in ClinVar's aggregate classification.
Comment: p.Gly596Val (GGT>GTT): c.1787 G>T in exon 15 of the BRAF gene (NM_004333.4). The G596V mutation in the BRAF gene has been previously reported in at least 4 unrelated patients with Cardio-Facio-Cutaneous syndrome (Rodriguez-Viciana et al., 2006). This mutation falls within the activation loop located within the third conserved region of the BRAF protein. The G596V mutation was not observed in approximately 6,500 individuals of European and African American ancestry in the NHLBI Exome Sequencing Project, indicating it is not a common benign variant in these populations. The variant is found in NOONAN panel(s).

Eurofins Ntd Llc (ga)
Classification: Pathogenic. Last evaluated: 2013-03-18. Review status: criteria provided, single submitter. Criteria: EGL Classification Definitions 2015. Collection method: clinical testing. Allele origin: germline. Observed: 1 variant allele, 1 heterozygote. Not counted in ClinVar's aggregate classification.

Institute for Genomic Statistics and Bioinformatics, University Hospital Bonn
Classification: Pathogenic for Cardiofaciocutaneous syndrome 1. Review status: criteria provided, single submitter. Criteria: ACMG Guidelines, 2015. Collection method: clinical testing. Allele origin: unknown. Affected: yes. Observed: 1 variant allele. Not counted in ClinVar's aggregate classification.

Baylor Genetics
Classification: Pathogenic for Rasopathy. Review status: no assertion criteria provided. Collection method: clinical testing. Allele origin: unknown. Affected: yes. Not counted in ClinVar's aggregate classification.
Comment: Variant classified using ACMG guidelines

GeneReviews
No classification provided. Condition: Cardio-facio-cutaneous syndrome. Review status: no classification provided. Collection method: literature only. Allele origin: germline. Affected: yes. Not counted in ClinVar's aggregate classification.

Literature cited by the submitters: PubMed 18413255 (cited by 6 submitters); PubMed 25463315 (cited by 4 submitters); PubMed 16439621 (cited by 7 submitters); PubMed 33040082 (cited by Victorian Clinical Genetics Services, Murdoch Childrens Research Institute); PubMed 19376813 (cited by 3 submitters); PubMed 18039235 (cited by Ambry Genetics and Laboratory for Molecular Medicine, Mass General Brigham Personalized Medicine); PubMed 16825433 (cited by Ambry Genetics); PubMed 16474404 (cited by Ambry Genetics); NCBI Bookshelf NBK1186 (cited by GeneReviews).